The following is an entry in ClinVar:

NM_001367624.2(ZNF469):c.6298G>A (p.Gly2100Arg)

Gene: ZNF469 (zinc finger protein 469; plus strand). Cytogenetic location: 16q24.2.
Variant type: single nucleotide variant.
Coding change: c.6298G>A on transcript NM_001367624.2 (MANE Select); coding-DNA position 6298, G replaced by A.
Protein change: p.Gly2100Arg; replaces glycine 2100 with arginine.
Molecular consequence: missense variant.
Genome position (GRCh38, 1-based): chr16:88,433,768, G>A. VCF-style: chr16-88433768-G-A. GRCh37 (hg19) VCF-style: chr16-88500176-G-A.
Other names: short protein forms G2100R.
Identifiers: ClinVar variation 1928029 (VCV001928029.5), dbSNP rs2507593041, ClinGen allele CA397105238.

ClinVar aggregate classification (germline): Uncertain significance (1 of 4 stars; one submission).

Submission:

Labcorp Genetics (formerly Invitae), Labcorp
Classification: Uncertain significance. Last evaluated: 2023-09-15. Review status: criteria provided, single submitter. Criteria: Invitae Variant Classification Sherloc (09022015). Collection method: clinical testing. Allele origin: germline.
Comment: In summary, the available evidence is currently insufficient to determine the role of this variant in disease. Therefore, it has been classified as a Variant of Uncertain Significance. Algorithms developed to predict the effect of missense changes on protein structure and function output the following: SIFT: "Not Available"; PolyPhen-2: "Benign"; Align-GVGD: "Not Available". The arginine amino acid residue is found in multiple mammalian species, which suggests that this missense change does not adversely affect protein function. ClinVar contains an entry for this variant (Variation ID: 1928029). This variant has not been reported in the literature in individuals affected with ZNF469-related conditions. This variant is not present in population databases (gnomAD no frequency). This sequence change replaces glycine, which is neutral and non-polar, with arginine, which is basic and polar, at codon 2072 of the ZNF469 protein (p.Gly2072Arg).